The following is an entry in ClinVar:

ClinVar aggregate classification (germline): Uncertain significance (1 of 4 stars; one submission).

Submission:

Labcorp Genetics (formerly Invitae), Labcorp
Classification: Uncertain significance. Last evaluated: 2024-10-23. Review status: criteria provided, single submitter. Criteria: Invitae Variant Classification Sherloc (09022015). Collection method: clinical testing. Allele origin: germline.
Comment: This sequence change replaces glutamine, which is neutral and polar, with arginine, which is basic and polar, at codon 686 of the RP1 protein (p.Gln686Arg). This variant is not present in population databases (gnomAD no frequency). This variant has not been reported in the literature in individuals affected with RP1-related conditions. ClinVar contains an entry for this variant (Variation ID: 999016). An algorithm developed to predict the effect of missense changes on protein structure and function outputs the following: PolyPhen-2: "Benign". The arginine amino acid residue is found in multiple mammalian species, which suggests that this missense change does not adversely affect protein function. In summary, the available evidence is currently insufficient to determine the role of this variant in disease. Therefore, it has been classified as a Variant of Uncertain Significance.

NM_006269.2(RP1):c.2057A>G (p.Gln686Arg)

Gene: RP1 (RP1 axonemal microtubule associated; plus strand). Cytogenetic location: 8q12.1.
Variant type: single nucleotide variant.
Coding change: c.2057A>G on transcript NM_006269.2 (MANE Select); coding-DNA position 2057, A replaced by G.
Protein change: p.Gln686Arg; replaces glutamine 686 with arginine.
Molecular consequence: missense variant. On other transcripts: intron variant (1).
Genome position (GRCh38, 1-based): chr8:54,625,939, A>G. VCF-style: chr8-54625939-A-G. GRCh37 (hg19) VCF-style: chr8-55538499-A-G.
Other names: c.787+3651A>G (NM_001375654.1); short protein forms Q686R.
Identifiers: ClinVar variation 999016 (VCV000999016.8), dbSNP rs1563330427, ClinGen allele CA370992633.